The following is an entry in ClinVar:

NM_000918.4(P4HB):c.61G>A (p.Glu21Lys)

Gene: P4HB (prolyl 4-hydroxylase subunit beta; minus strand). Cytogenetic location: 17q25.3.
Variant type: single nucleotide variant.
Coding change: c.61G>A on transcript NM_000918.4 (MANE Select); coding-DNA position 61, G replaced by A.
Protein change: p.Glu21Lys; replaces glutamic acid 21 with lysine.
Molecular consequence: missense variant.
Genome position (GRCh38, 1-based): chr17:81,860,411, C>T on the plus strand (G>A on the coding strand, the complement: P4HB is on the minus strand). VCF-style: chr17-81860411-C-T. GRCh37 (hg19) VCF-style: chr17-79818287-C-T.
Other names: short protein forms E21K.
Identifiers: ClinVar variation 4768509 (VCV004768509.1).

ClinVar aggregate classification (germline): Uncertain significance (1 of 4 stars; one submission).

gnomAD v4.1: 8 of 1,437,150 alleles (0.00056%); highest among the groups gnomAD compares: Non-Finnish European, 0.00064%; no homozygotes.

Submission:

Labcorp Genetics (formerly Invitae), Labcorp
Classification: Uncertain significance. Last evaluated: 2025-09-28. Review status: criteria provided, single submitter. Criteria: Invitae Variant Classification Sherloc (09022015). Collection method: clinical testing. Allele origin: germline.
Comment: This sequence change replaces glutamic acid, which is acidic and polar, with lysine, which is basic and polar, at codon 21 of the P4HB protein (p.Glu21Lys). The frequency data for this variant in the population databases is considered unreliable, as metrics indicate poor data quality at this position in the gnomAD database. This variant has not been reported in the literature in individuals affected with P4HB-related conditions. Invitae Evidence Modeling of protein sequence and biophysical properties (such as structural, functional, and spatial information, amino acid conservation, physicochemical variation, residue mobility, and thermodynamic stability) indicates that this missense variant is not expected to disrupt P4HB protein function with a negative predictive value of 80%. In summary, the available evidence is currently insufficient to determine the role of this variant in disease. Therefore, it has been classified as a Variant of Uncertain Significance.